The following is an entry in ClinVar:

ClinVar aggregate classification (germline): Uncertain significance (1 of 4 stars; one submission).

Conditions:
Multiple endocrine neoplasia, type 2 (MEN2). Identifiers: Orphanet 653, MedGen C4048306, MONDO:0019003. Disease mechanism: gain of function.

Submission:

Labcorp Genetics (formerly Invitae), Labcorp
Classification: Uncertain significance for Multiple endocrine neoplasia, type 2. Last evaluated: 2022-12-11. Review status: criteria provided, single submitter. Criteria: Invitae Variant Classification Sherloc (09022015). Collection method: clinical testing. Allele origin: germline.
Comment: In summary, the available evidence is currently insufficient to determine the role of this variant in disease. Therefore, it has been classified as a Variant of Uncertain Significance. Algorithms developed to predict the effect of missense changes on protein structure and function (SIFT, PolyPhen-2, Align-GVGD) all suggest that this variant is likely to be tolerated. This variant has not been reported in the literature in individuals affected with RET-related conditions. This variant is not present in population databases (gnomAD no frequency). This sequence change replaces aspartic acid, which is acidic and polar, with glutamic acid, which is acidic and polar, at codon 839 of the RET protein (p.Asp839Glu).

NM_020975.6(RET):c.2517C>G (p.Asp839Glu)

Gene: RET (ret proto-oncogene; plus strand). Cytogenetic location: 10q11.21.
Variant type: single nucleotide variant.
Coding change: c.2517C>G on transcript NM_020975.6 (MANE Select); coding-DNA position 2517, C replaced by G.
Protein change: p.Asp839Glu; replaces aspartic acid 839 with glutamic acid.
Molecular consequence: missense variant.
Genome position (GRCh38, 1-based): chr10:43,119,655, C>G. VCF-style: chr10-43119655-C-G. GRCh37 (hg19) VCF-style: chr10-43615103-C-G.
Other names: c.1527C>G, p.Asp509Glu (NM_001406784.1); c.1500C>G, p.Asp500Glu (NM_001406785.1); c.1491C>G, p.Asp497Glu (NM_001406786.1, NM_001406783.1); c.1485C>G, p.Asp495Glu (NM_001406787.1); c.1332C>G, p.Asp444Glu (NM_001406788.1, NM_001406789.1, NM_001406790.1); c.1212C>G, p.Asp404Glu (NM_001406791.1); c.1068C>G, p.Asp356Glu (NM_001406792.1, NM_001406793.1, NM_001406794.1); c.1620C>G, p.Asp540Glu (NM_001406782.1, NM_001406781.1, NM_001406779.1 and 1 more transcripts); and 10 more; short protein forms D444E, D495E, D839E, D356E, D404E, D500E, D509E, D693E.
Identifiers: ClinVar variation 2820101 (VCV002820101.3), dbSNP rs2538565946, ClinGen allele CA376556429.
Genomic context (GRCh38, chr10:43,119,655, plus strand): 5'-CCGCAAAGTGGGGCCTGGCTACCTGGGCAGTGGAGGCAGCCGCAACTCCAGCTCCCTGGA[C>G]CACCCGGATGAGCGGGCCCTCACCATGGGCGACCTCATCTCATTTGCCTGGCAGATCTCA-3'
Protein context (NP_066124.1, residues 829-849): SGGSRNSSSL[Asp839Glu]HPDERALTMG